The following is an entry in ClinVar:

NM_001199397.3(NEK1):c.3145T>G (p.Leu1049Val)

Gene: NEK1 (NIMA related kinase 1; minus strand). Cytogenetic location: 4q33.
Variant type: single nucleotide variant.
Coding change: c.3145T>G on transcript NM_001199397.3 (MANE Select); coding-DNA position 3145, T replaced by G.
Protein change: p.Leu1049Val; replaces leucine 1049 with valine.
Molecular consequence: missense variant. On other transcripts: non-coding transcript variant (1).
Genome position (GRCh38, 1-based): chr4:169,424,630, A>C on the plus strand (T>G on the coding strand, the complement: NEK1 is on the minus strand). VCF-style: chr4-169424630-A-C. GRCh37 (hg19) VCF-style: chr4-170345781-A-C.
Other names: c.3013T>G, p.Leu1005Val (NM_001199398.3); c.2854T>G, p.Leu952Val (NM_001199399.3); c.2929T>G, p.Leu977Val (NM_001199400.3); c.3145T>G, p.Leu1049Val (NM_001374418.1); c.3061T>G, p.Leu1021Val (NM_001374419.1, NM_012224.4); c.3010T>G, p.Leu1004Val (NM_001374420.1); c.2662T>G, p.Leu888Val (NM_001374421.1); short protein forms L1049V, L888V, L977V, L1004V, L1005V, L1021V, L952V.
Identifiers: ClinVar variation 3710974 (VCV003710974.2).

ClinVar aggregate classification (germline): Uncertain significance (1 of 4 stars; one submission).

Conditions:
Short-rib thoracic dysplasia 6 with or without polydactyly (SRTD6). Also called: SHORT RIB-POLYDACTYLY SYNDROME, TYPE IIA; Majewski Syndrome; POLYDACTYLY WITH NEONATAL CHONDRODYSTROPHY, TYPE II; SHORT-RIB THORACIC DYSPLASIA 6 WITH POLYDACTYLY; SHORT-RIB THORACIC DYSPLASIA 6 WITHOUT POLYDACTYLY. Identifiers: MedGen C0024507, MONDO:0009894, OMIM 263520.

gnomAD v4.1: 2 of 1,613,086 alleles (0.00012%); highest among the groups gnomAD compares: African/African-American, 0.0013%; no homozygotes.

Submission:

Labcorp Genetics (formerly Invitae), Labcorp
Classification: Uncertain significance for Short-rib thoracic dysplasia 6 with or without polydactyly. Last evaluated: 2024-08-28. Review status: criteria provided, single submitter. Criteria: Invitae Variant Classification Sherloc (09022015). Collection method: clinical testing. Allele origin: germline.
Comment: This sequence change replaces leucine, which is neutral and non-polar, with valine, which is neutral and non-polar, at codon 1021 of the NEK1 protein (p.Leu1021Val). This variant is not present in population databases (gnomAD no frequency). This variant has not been reported in the literature in individuals affected with NEK1-related conditions. Invitae Evidence Modeling of protein sequence and biophysical properties (such as structural, functional, and spatial information, amino acid conservation, physicochemical variation, residue mobility, and thermodynamic stability) indicates that this missense variant is not expected to disrupt NEK1 protein function with a negative predictive value of 80%. In summary, the available evidence is currently insufficient to determine the role of this variant in disease. Therefore, it has been classified as a Variant of Uncertain Significance.